The following is an entry in ClinVar:

NM_001348768.2(HECW2):c.3568A>G (p.Lys1190Glu)

Gene: HECW2 (HECT, C2 and WW domain containing E3 ubiquitin protein ligase 2; minus strand). Cytogenetic location: 2q32.3.
Variant type: single nucleotide variant.
Coding change: c.3568A>G on transcript NM_001348768.2 (MANE Select); coding-DNA position 3568, A replaced by G.
Protein change: p.Lys1190Glu; replaces lysine 1190 with glutamic acid.
Molecular consequence: missense variant.
Genome position (GRCh38, 1-based): chr2:196,242,166, T>C on the plus strand (A>G on the coding strand, the complement: HECW2 is on the minus strand). VCF-style: chr2-196242166-T-C. GRCh37 (hg19) VCF-style: chr2-197106890-T-C.
Other names: c.2500A>G, p.Lys834Glu (NM_001304840.3); c.3568A>G, p.Lys1190Glu (NM_020760.4); short protein forms K1190E, K834E.
Identifiers: ClinVar variation 1695821 (VCV001695821.2), dbSNP rs2105884016, ClinGen allele CA349955215.

ClinVar aggregate classification (germline): Uncertain significance (1 of 4 stars; one submission).

Submission:

GeneDx
Classification: Uncertain significance. Last evaluated: 2022-01-06. Review status: criteria provided, single submitter. Criteria: GeneDx Variant Classification Process June 2021. Collection method: clinical testing. Allele origin: germline. Affected: yes.
Comment: Not observed at significant frequency in large population cohorts (gnomAD); In silico analysis supports that this missense variant has a deleterious effect on protein structure/function; Has not been previously published as pathogenic or benign to our knowledge